The following is an entry in ClinVar:

NM_018139.3(DNAAF2):c.1597A>G (p.Thr533Ala)

Gene: DNAAF2 (dynein axonemal assembly factor 2; minus strand). Cytogenetic location: 14q21.3.
Variant type: single nucleotide variant.
Coding change: c.1597A>G on transcript NM_018139.3 (MANE Select); coding-DNA position 1597, A replaced by G.
Protein change: p.Thr533Ala; replaces threonine 533 with alanine.
Molecular consequence: missense variant. On other transcripts: 5 prime UTR variant (1).
Genome position (GRCh38, 1-based): chr14:49,633,553, T>C on the plus strand (A>G on the coding strand, the complement: DNAAF2 is on the minus strand). VCF-style: chr14-49633553-T-C. GRCh37 (hg19) VCF-style: chr14-50100271-T-C.
Other names: c.1597A>G, p.Thr533Ala (NM_001083908.2); c.-275A>G (NM_001378453.1); short protein forms T533A.
Identifiers: ClinVar variation 454900 (VCV000454900.9), dbSNP rs547924178, ClinGen allele CA7172871.

ClinVar aggregate classification (germline): Conflicting classifications of pathogenicity. Review status: criteria provided, conflicting classifications (1 of 4 stars). 2 submissions from 2 submitters: Uncertain significance (1); Likely benign (1). Last evaluated 2024-05-11.

Conditions:
Primary ciliary dyskinesia. Also called: Ciliary dyskinesia. Identifiers: Orphanet 244, MedGen C0008780, MONDO:0016575, HP:0012265.

Allele frequency attached by ClinVar (database versions not stated): gnomAD below 0.00001 and 0.00005; TOPMed 0.00001; gnomAD exomes 0.00007 and 0.00011; 1000 Genomes Project 30x 0.00016; ExAC 0.00017; 1000 Genomes Project 0.00020.
gnomAD v4.1: 103 of 1,613,980 alleles (0.0064%); highest among the groups gnomAD compares: South Asian, 0.11%; no homozygotes.

Submissions (2):

Ambry Genetics
Classification: Likely benign for Primary ciliary dyskinesia. Last evaluated: 2024-05-11. Review status: criteria provided, single submitter. Criteria: Ambry Variant Classification Scheme 2023. Collection method: clinical testing. Allele origin: germline.

Labcorp Genetics (formerly Invitae), Labcorp
Classification: Uncertain significance for Primary ciliary dyskinesia. Last evaluated: 2017-06-21. Review status: criteria provided, single submitter. Criteria: Invitae Variant Classification Sherloc (09022015). Collection method: clinical testing. Allele origin: germline.
Comment: This variant has not been reported in the literature in individuals with a DNAAF2-related disease. This sequence change replaces threonine with alanine at codon 533 of the DNAAF2 protein (p.Thr533Ala). The threonine residue is weakly conserved and there is a small physicochemical difference between threonine and alanine. This variant is present in population databases (rs547924178, ExAC 0.1%). Algorithms developed to predict the effect of missense changes on protein structure and function (SIFT, PolyPhen-2, Align-GVGD) all suggest that this variant is likely to be tolerated, but these predictions have not been confirmed by published functional studies and their clinical significance is uncertain. In summary, this variant has uncertain impact on DNAAF2 function. The available evidence is currently insufficient to determine its role in disease. Therefore, it has been classified as a Variant of Uncertain Significance.